The following is an entry in ClinVar:

NM_016239.4(MYO15A):c.5831G>A (p.Arg1944His)

Gene: MYO15A (myosin XVA; plus strand). Cytogenetic location: 17p11.2.
Variant type: single nucleotide variant.
Coding change: c.5831G>A on transcript NM_016239.4 (MANE Select); coding-DNA position 5831, G replaced by A.
Protein change: p.Arg1944His; replaces arginine 1944 with histidine.
Molecular consequence: missense variant.
Genome position (GRCh38, 1-based): chr17:18,142,761, G>A. VCF-style: chr17-18142761-G-A. GRCh37 (hg19) VCF-style: chr17-18046075-G-A.
Other names: c.5831G>A (NM_016239.3); short protein forms R1944H.
Identifiers: ClinVar variation 2578785 (VCV002578785.27), dbSNP rs370216680, ClinGen allele CA8424417.

ClinVar aggregate classification (germline): Uncertain significance. Review status: criteria provided, multiple submitters, no conflicts (2 of 4 stars). 3 submissions from 3 submitters: Uncertain significance (3). Last evaluated 2025-12-30.

Conditions:
Inborn genetic diseases. Identifiers: MedGen C0950123, MeSH D030342.

Allele frequency attached by ClinVar (database versions not stated): gnomAD exomes 0.00004; gnomAD 0.00007; TOPMed 0.00009; ExAC 0.00010; ESP Exome Variant Server 0.00016.
gnomAD v4.1: 68 of 1,613,558 alleles (0.0042%); highest among the groups gnomAD compares: African/African-American, 0.0093%; no homozygotes.

Submissions (3):

Ambry Genetics
Classification: Uncertain significance for Inborn genetic diseases. Last evaluated: 2025-12-30. Review status: criteria provided, single submitter. Criteria: Ambry Variant Classification Scheme 2023. Collection method: clinical testing. Allele origin: germline.

CeGaT Center for Human Genetics Tuebingen
Classification: Uncertain significance. Last evaluated: 2023-07-01. Review status: criteria provided, single submitter. Criteria: CeGaT Center For Human Genetics Tuebingen Variant Classification Criteria Version 2. Collection method: clinical testing. Allele origin: germline. Affected: yes. Observed: 1 variant allele.
Comment: MYO15A: PM2

Blueprint Genetics
Classification: Uncertain significance. Last evaluated: 2022-12-22. Review status: criteria provided, single submitter. Criteria: ACMG Guidelines, 2015. Collection method: clinical testing. Allele origin: germline.